The following is an entry in ClinVar:

NM_001171.6(ABCC6):c.4193G>A (p.Arg1398Gln)

Gene: ABCC6 (ATP binding cassette subfamily C member 6; minus strand). Cytogenetic location: 16p13.11.
Variant type: single nucleotide variant.
Coding change: c.4193G>A on transcript NM_001171.6 (MANE Select); coding-DNA position 4193, G replaced by A.
Protein change: p.Arg1398Gln; replaces arginine 1398 with glutamine.
Molecular consequence: missense variant. On other transcripts: non-coding transcript variant (1).
Genome position (GRCh38, 1-based): chr16:16,154,643, C>T on the plus strand (G>A on the coding strand, the complement: ABCC6 is on the minus strand). VCF-style: chr16-16154643-C-T. GRCh37 (hg19) VCF-style: chr16-16248500-C-T.
Other names: c.4193G>A (NM_001171.5); c.3851G>A, p.Arg1284Gln (NM_001351800.1); short protein forms R1284Q, R1398Q.
Identifiers: ClinVar variation 1328080 (VCV001328080.14), dbSNP rs202080984, ClinGen allele CA7925289.

ClinVar aggregate classification (germline): Conflicting classifications of pathogenicity. Review status: criteria provided, conflicting classifications (1 of 4 stars). 6 submissions from 6 submitters: Uncertain significance (1); Likely benign (3). 2 of the submissions do not count toward it. Last evaluated 2026-07-17.

Conditions:
ABCC6-related disorder. Also called: ABCC6-related condition.
Inborn genetic diseases. Identifiers: MedGen C0950123, MeSH D030342.

Allele frequency attached by ClinVar (database versions not stated): ExAC 0.00009; gnomAD exomes 0.00010 and 0.00022; ESP Exome Variant Server 0.00015; TOPMed 0.00015; gnomAD 0.00019 and 0.00020.
gnomAD v4.1: 364 of 1,612,460 alleles (0.023%); highest among the groups gnomAD compares: Non-Finnish European, 0.028%; 4 homozygotes.

Submissions (6):

PreventionGenetics, part of Exact Sciences
Classification: Uncertain significance for ABCC6-related condition. Last evaluated: 2026-07-17. Review status: criteria provided, single submitter. Criteria: ACMG Guidelines, 2015. Collection method: clinical testing. Allele origin: germline.
Comment: The ABCC6 c.4193G>A variant is predicted to result in the amino acid substitution p.Arg1398Gln. To our knowledge, this variant has not been reported in the literature. This variant is reported in 0.022% of alleles in individuals of European (Non-Finnish) descent in gnomAD. At this time, the clinical significance of this variant is uncertain due to the absence of conclusive functional and genetic evidence.

Labcorp Genetics (formerly Invitae), Labcorp
Classification: Likely benign. Last evaluated: 2026-02-01. Review status: criteria provided, single submitter. Criteria: Invitae Variant Classification Sherloc (09022015). Collection method: clinical testing. Allele origin: germline.

Blueprint Genetics
Classification: Likely benign. Last evaluated: 2024-10-18. Review status: criteria provided, single submitter. Criteria: ACMG Guidelines, 2015. Collection method: clinical testing. Allele origin: germline.

Ambry Genetics
Classification: Likely benign for Inborn genetic diseases. Last evaluated: 2021-09-16. Review status: criteria provided, single submitter. Criteria: Ambry Variant Classification Scheme 2023. Collection method: clinical testing. Allele origin: germline.

Clinical Genetics DNA and cytogenetics Diagnostics Lab, Erasmus MC, Erasmus Medical Center
Classification: Likely benign. Review status: no assertion criteria provided. Collection method: clinical testing. Allele origin: germline. Affected: yes. Study: VKGL Data-share Consensus. Not counted in ClinVar's aggregate classification.

Clinical Genetics, Academic Medical Center
Classification: Likely benign. Review status: no assertion criteria provided. Collection method: clinical testing. Allele origin: germline. Affected: yes. Study: VKGL Data-share Consensus. Not counted in ClinVar's aggregate classification.